The following is an entry in ClinVar:

NM_201525.4(ADGRG1):c.843_844delinsGT (p.Ser281_Gly282delinsArgTrp)

Gene: ADGRG1 (adhesion G protein-coupled receptor G1; plus strand). Cytogenetic location: 16q21.
Variant type: Indel.
Coding change: c.843_844delinsGT on transcript NM_201525.4 (MANE Select); coding-DNA positions 843 to 844, CG replaced by GT.
Protein change: p.Ser281_Gly282delinsArgTrp.
Molecular consequence: missense variant.
Genome position (GRCh38, 1-based): chr16:57,655,473-57,655,474, CG replaced by GT. VCF-style: chr16-57655473-CG-GT. GRCh37 (hg19) VCF-style: chr16-57689385-CG-GT.
Other names: c.843_844delinsGT, p.Ser281_Gly282delinsArgTrp (NM_001145770.3, NM_001145771.3, NM_001145772.3 and 16 more transcripts); c.858_859delinsGT, p.Ser286_Gly287delinsArgTrp (NM_001145773.3, NM_001370433.1); c.333_334delinsGT, p.Ser111_Gly112delinsArgTrp (NM_001290142.2); c.318_319delinsGT, p.Ser106_Gly107delinsArgTrp (NM_001290143.2, NM_001290144.2, NM_001370451.1 and 2 more transcripts); c.687_688delinsGT, p.Ser229_Gly230delinsArgTrp (NM_001370442.1).
Identifiers: ClinVar variation 1420237 (VCV001420237.3), dbSNP rs1057517931, ClinGen allele CA2573152465.
Genomic context (GRCh38, chr16:57,655,473, plus strand): 5'-GATCATGGAGTACTCGGTGCTGCTGCCTCGAACACTCTTCCAGAGGACGAAAGGCCGGAG[CG>GT]GGGAGGCTGAGAAGAGACTCCTCCTGGTGGACTTCAGCAGCCAAGCCCTGTTCCAGGTAT-3'

ClinVar aggregate classification (germline): Uncertain significance (1 of 4 stars; one submission).

Submission:

Labcorp Genetics (formerly Invitae), Labcorp
Classification: Uncertain significance. Last evaluated: 2021-12-15. Review status: criteria provided, single submitter. Criteria: Invitae Variant Classification Sherloc (09022015). Collection method: clinical testing. Allele origin: germline.
Comment: This variant, c.843_844delinsGT, is a complex sequence change that results in the deletion of 2 and insertion of 2 amino acid(s) in the ADGRG1 protein (p.Ser281_Gly282delinsArgTrp). Information on the frequency of this variant in the gnomAD database is not available, as this variant may be reported differently in the database. This variant has not been reported in the literature in individuals affected with ADGRG1-related conditions. Experimental studies and prediction algorithms are not available or were not evaluated, and the functional significance of this variant is currently unknown. Algorithms developed to predict the effect of sequence changes on RNA splicing suggest that this variant may create or strengthen a splice site. In summary, the available evidence is currently insufficient to determine the role of this variant in disease. Therefore, it has been classified as a Variant of Uncertain Significance.